The following is an entry in ClinVar:

NM_004006.3(DMD):c.3511G>A (p.Glu1171Lys)

Gene: DMD (dystrophin; minus strand). Cytogenetic location: Xp21.1.
Variant type: single nucleotide variant.
Coding change: c.3511G>A on transcript NM_004006.3 (MANE Select); coding-DNA position 3511, G replaced by A.
Protein change: p.Glu1171Lys; replaces glutamic acid 1171 with lysine.
Molecular consequence: missense variant.
Genome position (GRCh38, 1-based): chrX:32,454,754, C>T on the plus strand (G>A on the coding strand, the complement: DMD is on the minus strand). VCF-style: chrX-32454754-C-T. GRCh37 (hg19) VCF-style: chrX-32472871-C-T.
Other names: c.3487G>A, p.Glu1163Lys (NM_000109.4); c.3499G>A, p.Glu1167Lys (NM_004009.3); c.3142G>A, p.Glu1048Lys (NM_004010.3); short protein forms E1163K, E1167K, E1171K, E1048K.
Identifiers: ClinVar variation 2153381 (VCV002153381.5), dbSNP rs1263708289, ClinGen allele CA412663238.

ClinVar aggregate classification (germline): Conflicting classifications of pathogenicity. Review status: criteria provided, conflicting classifications (1 of 4 stars). 2 submissions from 2 submitters: Uncertain significance (1); Likely benign (1). Last evaluated 2025-04-28.

Conditions:
Cardiovascular phenotype. Identifiers: MedGen CN230736.
Duchenne muscular dystrophy (DMD). Also called: MUSCULAR DYSTROPHY, PSEUDOHYPERTROPHIC PROGRESSIVE, DUCHENNE TYPE; Duchenne Muscular Dystrophy (DMD). Identifiers: Orphanet 98896, MedGen C0013264, MONDO:0010679, OMIM 310200.

Allele frequency attached by ClinVar (database versions not stated): TOPMed 0.00001; gnomAD exomes below 0.00001; gnomAD 0.00001.
gnomAD v4.1: 5 of 1,202,011 alleles (0.00042%); highest among the groups gnomAD compares: East Asian, 0.0089%; no homozygotes.

Submissions (2):

Labcorp Genetics (formerly Invitae), Labcorp
Classification: Likely benign for Duchenne muscular dystrophy. Last evaluated: 2025-04-28. Review status: criteria provided, single submitter. Criteria: Invitae Variant Classification Sherloc (09022015). Collection method: clinical testing. Allele origin: germline.

Ambry Genetics
Classification: Uncertain significance for Cardiovascular phenotype. Last evaluated: 2023-10-26. Review status: criteria provided, single submitter. Criteria: Ambry Variant Classification Scheme 2023. Collection method: clinical testing. Allele origin: germline.
Comment: The p.E1171K variant (also known as c.3511G>A), located in coding exon 26 of the DMD gene, results from a G to A substitution at nucleotide position 3511. The glutamic acid at codon 1171 is replaced by lysine, an amino acid with similar properties. Based on data from gnomAD, the A allele has an overall frequency of 0.0011% (2/182397) total alleles studied, with 1 hemizygote(s) observed. The highest observed frequency was 0.0072% (1/13826) of East Asian alleles. This amino acid position is highly conserved in available vertebrate species. In addition, the in silico prediction for this alteration is inconclusive. Since supporting evidence is limited at this time, the clinical significance of this alteration remains unclear.